The following is an entry in ClinVar:

ClinVar aggregate classification (germline): Uncertain significance (1 of 4 stars; one submission).

Submission:

Ambry Genetics
Classification: Uncertain significance. Last evaluated: 2026-04-19. Review status: criteria provided, single submitter. Criteria: Ambry Variant Classification Scheme 2023. Collection method: clinical testing. Allele origin: germline.
Comment: The p.S44R variant (also known as c.132C>G), located in coding exon 1 of the PALLD gene, results from a C to G substitution at nucleotide position 132. The serine at codon 44 is replaced by arginine, an amino acid with dissimilar properties. This amino acid position is conserved. In addition, this alteration is predicted to be tolerated by in silico analysis. Based on the available evidence, the clinical significance of this variant remains unclear.

NM_001166108.2(PALLD):c.1965-12899C>G

Gene: PALLD (palladin, cytoskeletal associated protein; plus strand). Cytogenetic location: 4q32.3.
Variant type: single nucleotide variant.
Coding change: c.1965-12899C>G on transcript NM_001166108.2 (MANE Select); 12899 bases into the intron before coding-DNA position 1965, C replaced by G.
Molecular consequence: intron variant. On other transcripts: missense variant (1).
Genome position (GRCh38, 1-based): chr4:168,878,023, C>G. VCF-style: chr4-168878023-C-G. GRCh37 (hg19) VCF-style: chr4-169799174-C-G.
Other names: c.132C>G, p.Ser44Arg (NM_001166110.2); c.1965-12899C>G (NM_016081.4); c.819-12899C>G (NM_001166109.2); c.-157-12899C>G (NM_001367570.1, NM_001367568.1, NM_001367567.1 and 1 more transcripts); short protein forms S44R.
Identifiers: ClinVar variation 4861536 (VCV004861536.1).